The following is an entry in ClinVar:

NM_198859.4(PRICKLE2):c.741C>G (p.Phe247Leu)

Gene: PRICKLE2 (prickle planar cell polarity protein 2; minus strand). Cytogenetic location: 3p14.1.
Variant type: single nucleotide variant.
Coding change: c.741C>G on transcript NM_198859.4 (MANE Select); coding-DNA position 741, C replaced by G.
Protein change: p.Phe247Leu; replaces phenylalanine 247 with leucine.
Molecular consequence: missense variant.
Genome position (GRCh38, 1-based): chr3:64,153,228, G>C on the plus strand (C>G on the coding strand, the complement: PRICKLE2 is on the minus strand). VCF-style: chr3-64153228-G-C. GRCh37 (hg19) VCF-style: chr3-64138904-G-C.
Other names: c.741C>G, p.Phe247Leu (NM_001370528.1); short protein forms F247L.
Identifiers: ClinVar variation 576820 (VCV000576820.6), dbSNP rs763876127, ClinGen allele CA353433768.

ClinVar aggregate classification (germline): Uncertain significance (1 of 4 stars; one submission).

Conditions:
Progressive myoclonic epilepsy type 5. Identifiers: Orphanet 402082, MedGen C5190799.

gnomAD v4.1: 2 of 1,614,196 alleles (0.00012%); highest among the groups gnomAD compares: Non-Finnish European, 0.00017%; no homozygotes.

Submission:

Labcorp Genetics (formerly Invitae), Labcorp
Classification: Uncertain significance for Progressive myoclonic epilepsy type 5. Last evaluated: 2018-05-06. Review status: criteria provided, single submitter. Criteria: Invitae Variant Classification Sherloc (09022015). Collection method: clinical testing. Allele origin: germline.
Comment: Algorithms developed to predict the effect of missense changes on protein structure and function do not agree on the potential impact of this missense change (SIFT: "Deleterious"; PolyPhen-2: "Probably Damaging"; Align-GVGD: "Class C15"). This sequence change replaces phenylalanine with leucine at codon 247 of the PRICKLE2 protein (p.Phe247Leu). The phenylalanine residue is highly conserved and there is a small physicochemical difference between phenylalanine and leucine. This variant is not present in population databases (ExAC no frequency). This variant has not been reported in the literature in individuals with PRICKLE2-related disease. In summary, the available evidence is currently insufficient to determine the role of this variant in disease. Therefore, it has been classified as a Variant of Uncertain Significance.